The following is an entry in ClinVar:

NM_003661.4(APOL1):c.905C>A (p.Ser302Ter)

Gene: APOL1 (apolipoprotein L1; plus strand). Cytogenetic location: 22q12.3.
Variant type: single nucleotide variant.
Coding change: c.905C>A on transcript NM_003661.4 (MANE Select); coding-DNA position 905, C replaced by A.
Protein change: p.Ser302Ter; replaces serine 302 with a stop codon.
Molecular consequence: nonsense.
Genome position (GRCh38, 1-based): chr22:36,265,741, C>A. VCF-style: chr22-36265741-C-A. GRCh37 (hg19) VCF-style: chr22-36661787-C-A.
Other names: c.905C>A, p.Ser302Ter (NM_001136540.2); c.851C>A, p.Ser284Ter (NM_001136541.2, NM_001362927.2); c.953C>A, p.Ser318Ter (NM_145343.3); short protein forms S302*, S284*, S318*.
Identifiers: ClinVar variation 3417955 (VCV003417955.1).

ClinVar aggregate classification (germline): Uncertain significance (1 of 4 stars; one submission).

Submission:

Ambry Genetics
Classification: Uncertain significance. Last evaluated: 2024-08-16. Review status: criteria provided, single submitter. Criteria: Ambry Variant Classification Scheme 2023. Collection method: clinical testing. Allele origin: germline.
Comment: Does not currently meet published gene-disease clinical validity criteria Based on insufficient or conflicting evidence, the clinical significance of this alteration remains unclear.

Literature cited by the submitters: PubMed 28106320.